The following is an entry in ClinVar:

NM_198428.3(BBS9):c.1425A>G (p.Glu475=)

Gene: BBS9 (Bardet-Biedl syndrome 9; plus strand). Cytogenetic location: 7p14.3.
Variant type: single nucleotide variant.
Coding change: c.1425A>G on transcript NM_198428.3 (MANE Select); coding-DNA position 1425, A replaced by G.
Protein change: p.Glu475=; no amino-acid change (glutamic acid 475 retained).
Molecular consequence: synonymous variant. On other transcripts: non-coding transcript variant (3).
Genome position (GRCh38, 1-based): chr7:33,349,163, A>G. VCF-style: chr7-33349163-A-G. GRCh37 (hg19) VCF-style: chr7-33388775-A-G.
Other names: c.1425A>G (NM_198428.2); c.1425A>G, p.Glu475= (NM_001033604.2, NM_001033605.2, NM_001348036.1 and 7 more transcripts); c.1059A>G, p.Glu353= (NM_001348037.3, NM_001348044.3, NM_001348045.3 and 1 more transcripts); c.1152A>G, p.Glu384= (NM_001348038.3, NM_001348039.3); c.1290A>G, p.Glu430= (NM_001348042.3).
Identifiers: ClinVar variation 2714702 (VCV002714702.5), dbSNP rs1332190447, ClinGen allele CA454455719.

ClinVar aggregate classification (germline): Likely benign. Review status: criteria provided, single submitter (1 of 4 stars). 2 submissions from 2 submitters: Likely benign (1). 1 of the submissions does not count toward it. Last evaluated 2023-11-12.

Conditions:
BBS9-related disorder. Also called: BBS9-related condition.
Bardet-Biedl syndrome (BBS). Identifiers: Orphanet 110, MedGen C0752166, MONDO:0015229.

Allele frequency attached by ClinVar (database versions not stated): gnomAD exomes below 0.00001; TOPMed below 0.00001; gnomAD 0.00001.
gnomAD v4.1: 7 of 1,609,252 alleles (0.00043%); highest among the groups gnomAD compares: African/African-American, 0.0013%; no homozygotes.

Submissions (2):

Labcorp Genetics (formerly Invitae), Labcorp
Classification: Likely benign for Bardet-Biedl syndrome. Last evaluated: 2023-11-12. Review status: criteria provided, single submitter. Criteria: Invitae Variant Classification Sherloc (09022015). Collection method: clinical testing. Allele origin: germline.

PreventionGenetics, part of Exact Sciences
Classification: Likely benign for BBS9-related condition. Last evaluated: 2022-10-07. Review status: no assertion criteria provided. Collection method: clinical testing. Allele origin: germline. Not counted in ClinVar's aggregate classification.
Comment: This variant is classified as likely benign based on ACMG/AMP sequence variant interpretation guidelines (Richards et al. 2015 PMID: 25741868, with internal and published modifications).